The following is an entry in ClinVar:

ClinVar aggregate classification (germline): Conflicting classifications of pathogenicity. Review status: criteria provided, conflicting classifications (1 of 4 stars). 3 submissions from 3 submitters: Uncertain significance (2); Likely benign (1). Last evaluated 2025-02-01.

Conditions:
Developmental and epileptic encephalopathy, 8 (DEE8). Also called: HYPEREKPLEXIA AND EPILEPSY. Identifiers: Orphanet 163985, Orphanet 2076, MedGen C1845102, MONDO:0010375, OMIM 300607.

Submissions (3):

CeGaT Center for Human Genetics Tuebingen
Classification: Uncertain significance. Last evaluated: 2025-02-01. Review status: criteria provided, single submitter. Criteria: CeGaT Center For Human Genetics Tuebingen Variant Classification Criteria Version 2. Collection method: clinical testing. Allele origin: germline. Affected: yes. Observed: 2 variant alleles.
Comment: ARHGEF9: PM2, PS3:Supporting

Labcorp Genetics (formerly Invitae), Labcorp
Classification: Uncertain significance for Developmental and epileptic encephalopathy, 8. Last evaluated: 2022-08-30. Review status: criteria provided, single submitter. Criteria: Invitae Variant Classification Sherloc (09022015). Collection method: clinical testing. Allele origin: germline.
Comment: In summary, the available evidence is currently insufficient to determine the role of this variant in disease. Therefore, it has been classified as a Variant of Uncertain Significance. Algorithms developed to predict the effect of missense changes on protein structure and function are either unavailable or do not agree on the potential impact of this missense change (SIFT: "Deleterious"; PolyPhen-2: "Benign"; Align-GVGD: "Class C15"). ClinVar contains an entry for this variant (Variation ID: 1301616). This missense change has been observed in individual(s) with epileptic encephalopathy with cerebellar atrophy (PMID: 31054490). In at least one individual the variant was observed to be de novo. This variant is not present in population databases (gnomAD no frequency). This sequence change replaces phenylalanine, which is neutral and non-polar, with leucine, which is neutral and non-polar, at codon 492 of the ARHGEF9 protein (p.Phe492Leu).

Dubai Health Genomic Medicine Center, Dubai Health
Classification: Likely benign for Developmental and epileptic encephalopathy, 8. Last evaluated: 2021-02-03. Review status: criteria provided, single submitter. Criteria: ACMG Guidelines, 2015. Collection method: clinical testing. Allele origin: germline. Affected: yes.

Literature cited by the submitters: PubMed 31054490 (cited by Labcorp Genetics (formerly Invitae), Labcorp).

NM_001353921.2(ARHGEF9):c.1497T>G (p.Phe499Leu)

Gene: ARHGEF9 (Cdc42 guanine nucleotide exchange factor 9; minus strand). Cytogenetic location: Xq11.1.
Variant type: single nucleotide variant.
Coding change: c.1497T>G on transcript NM_001353921.2 (MANE Select); coding-DNA position 1497, T replaced by G.
Protein change: p.Phe499Leu; replaces phenylalanine 499 with leucine.
Molecular consequence: missense variant. On other transcripts: 3 prime UTR variant (2).
Genome position (GRCh38, 1-based): chrX:63,638,103, A>C on the plus strand (T>G on the coding strand, the complement: ARHGEF9 is on the minus strand). VCF-style: chrX-63638103-A-C. GRCh37 (hg19) VCF-style: chrX-62857983-A-C.
Other names: c.1413T>G, p.Phe471Leu (NM_001369035.1, NM_001369036.1, NM_001369037.1 and 4 more transcripts); c.1296T>G, p.Phe432Leu (NM_001369039.1, NM_001369040.1, NM_001353924.2 and 1 more transcripts); c.1281T>G, p.Phe427Leu (NM_001369041.1, NM_001353927.2); c.1170T>G, p.Phe390Leu (NM_001369042.1, NM_001173480.2); c.*134T>G (NM_001369043.1, NM_001369044.1); c.930T>G, p.Phe310Leu (NM_001369045.1); c.1476T>G, p.Phe492Leu (NM_015185.3, NM_001369030.1, NM_001369031.1 and 1 more transcripts); c.1317T>G, p.Phe439Leu (NM_001173479.2); and 3 more; short protein forms F310L, F390L, F427L, F432L, F439L, F448L, F455L, F471L.
Identifiers: ClinVar variation 1301616 (VCV001301616.20), dbSNP rs2147114173, ClinGen allele CA413401106.